The following is an entry in ClinVar:

NM_138638.5(CFL2):c.380A>G (p.Lys127Arg)

Gene: CFL2 (cofilin 2; minus strand). Cytogenetic location: 14q13.1.
Variant type: single nucleotide variant.
Coding change: c.380A>G on transcript NM_138638.5 (MANE Select); coding-DNA position 380, A replaced by G.
Protein change: p.Lys127Arg; replaces lysine 127 with arginine.
Molecular consequence: missense variant. On other transcripts: non-coding transcript variant (2).
Genome position (GRCh38, 1-based): chr14:34,713,068, T>C on the plus strand (A>G on the coding strand, the complement: CFL2 is on the minus strand). VCF-style: chr14-34713068-T-C. GRCh37 (hg19) VCF-style: chr14-35182274-T-C.
Other names: p.Lys127Arg; c.329A>G, p.Lys110Arg (NM_001243645.2); c.380A>G, p.Lys127Arg (NM_021914.8); short protein forms K110R, K127R.
Identifiers: ClinVar variation 2683249 (VCV002683249.1), dbSNP rs769373531, ClinGen allele CA7152283.

ClinVar aggregate classification (germline): Uncertain significance (1 of 4 stars; one submission).

Allele frequency attached by ClinVar (database versions not stated): gnomAD exomes 0.00001; ExAC 0.00002.
gnomAD v4.1: 7 of 1,584,360 alleles (0.00044%); highest among the groups gnomAD compares: Non-Finnish European, 0.0006%; no homozygotes.

Submission:

Mayo Clinic Laboratories, Mayo Clinic
Classification: Uncertain significance. Last evaluated: 2023-01-19. Review status: criteria provided, single submitter. Criteria: ACMG Guidelines, 2015. Collection method: clinical testing. Allele origin: germline. Observed: 1 variant allele.
Comment: BP4, PM2